The following is an entry in ClinVar:

ClinVar aggregate classification (germline): Uncertain significance (1 of 4 stars; one submission).

Allele frequency attached by ClinVar (database versions not stated): gnomAD exomes below 0.00001; ExAC 0.00001.
gnomAD v4.1: 5 of 1,604,812 alleles (0.00031%); highest among the groups gnomAD compares: Admixed American, 0.0017%; no homozygotes.

Submission:

Labcorp Genetics (formerly Invitae), Labcorp
Classification: Uncertain significance. Last evaluated: 2022-11-22. Review status: criteria provided, single submitter. Criteria: Invitae Variant Classification Sherloc (09022015). Collection method: clinical testing. Allele origin: germline.
Comment: In summary, the available evidence is currently insufficient to determine the role of this variant in disease. Therefore, it has been classified as a Variant of Uncertain Significance. Advanced modeling of protein sequence and biophysical properties (such as structural, functional, and spatial information, amino acid conservation, physicochemical variation, residue mobility, and thermodynamic stability) performed at Invitae indicates that this missense variant is not expected to disrupt CAPN1 protein function. ClinVar contains an entry for this variant (Variation ID: 1472383). This variant has not been reported in the literature in individuals affected with CAPN1-related conditions. The frequency data for this variant in the population databases is considered unreliable, as metrics indicate poor data quality at this position in the gnomAD database. This sequence change replaces methionine, which is neutral and non-polar, with threonine, which is neutral and polar, at codon 685 of the CAPN1 protein (p.Met685Thr).

NM_005186.4(CAPN1):c.2054T>C (p.Met685Thr)

Genes: CAPN1 (calpain 1; plus strand), LOC126861236 (P300/CBP strongly-dependent group 1 enhancer GRCh37_chr11:64976880-64978079; plus strand). Cytogenetic location: 11q13.1.
Variant type: single nucleotide variant.
Coding change: c.2054T>C on transcript NM_005186.4 (MANE Select); coding-DNA position 2054, T replaced by C.
Protein change: p.Met685Thr; replaces methionine 685 with threonine.
Molecular consequence: missense variant. On other transcripts: non-coding transcript variant (1).
Genome position (GRCh38, 1-based): chr11:65,210,447, T>C. VCF-style: chr11-65210447-T-C. GRCh37 (hg19) VCF-style: chr11-64977918-T-C.
Other names: c.2054T>C, p.Met685Thr (NM_001198868.2, NM_001198869.2); short protein forms M685T.
Identifiers: ClinVar variation 1472383 (VCV001472383.6), dbSNP rs767349185, ClinGen allele CA6093671.